The following is an entry in ClinVar:

ClinVar aggregate classification (germline): Likely pathogenic. Review status: criteria provided, multiple submitters, no conflicts (2 of 4 stars). 4 submissions from 4 submitters: Likely pathogenic (4). Last evaluated 2025-06-02.

Conditions:
Arthrogryposis multiplex congenita 6. Identifiers: MedGen C5543431, MONDO:0030281, OMIM 619334.
Nemaline myopathy. Also called: Myopathies, Nemaline. Identifiers: Orphanet 607, MedGen C0206157, MONDO:0018958.
Nemaline myopathy 2 (NEM2). Also called: Nemaline myopathy 2, autosomal recessive. Identifiers: MedGen C1850569, MONDO:0009725, OMIM 256030.

Allele frequency attached by ClinVar (database versions not stated): gnomAD exomes below 0.00001 and 0.00001; TOPMed below 0.00001; ExAC 0.00001.
gnomAD v4.1: 11 of 1,558,886 alleles (0.00071%); highest among the groups gnomAD compares: Non-Finnish European, 0.00095%; no homozygotes.

Submissions (4):

Labcorp Genetics (formerly Invitae), Labcorp
Classification: Likely pathogenic for Nemaline myopathy 2. Last evaluated: 2025-06-02. Review status: criteria provided, single submitter. Criteria: Invitae Variant Classification Sherloc (09022015). Collection method: clinical testing. Allele origin: germline.
Comment: This sequence change falls in intron 81 of the NEB gene. It does not directly change the encoded amino acid sequence of the NEB protein. It affects a nucleotide within the consensus splice site. This variant is present in population databases (rs763163879, gnomAD 0.006%). This variant has been observed in individual(s) with clinical features of nemaline myopathy (PMID: 16917880; internal data). In at least one individual the data is consistent with being in trans (on the opposite chromosome) from a pathogenic variant. ClinVar contains an entry for this variant (Variation ID: 1067580). Variants that disrupt the consensus splice site are a relatively common cause of aberrant splicing (PMID: 17576681, 9536098). Algorithms developed to predict the effect of sequence changes on RNA splicing suggest that this variant may disrupt the consensus splice site. In summary, the currently available evidence indicates that the variant is pathogenic, but additional data are needed to prove that conclusively. Therefore, this variant has been classified as Likely Pathogenic.

Broad Center for Mendelian Genomics, Broad Institute of MIT and Harvard
Classification: Likely pathogenic for Nemaline myopathy. Last evaluated: 2025-03-11. Review status: criteria provided, single submitter. Criteria: ACMG Guidelines, 2015. Collection method: curation. Allele origin: germline. Inheritance: Autosomal recessive inheritance.
Comment: The c.12330+5G>A variant in NEB has been reported, in the compound heterozygous state, in one individual with nemaline myopathy (PMID: 16917880), and has been identified in 0.001% (11/1086002) of European (non-Finnish) chromosomes by the Genome Aggregation Database (gnomAD; dbSNP ID: rs763163879). Although this variant has been seen in the general population in a heterozygous state, its frequency is low enough to be consistent with a recessive carrier frequency. This variant has also been reported in ClinVar (Variation ID: 1067580) and has been interpreted as likely pathogenic by Invitae. This variant is located in the 5‚Äô splice region. Computational tools do suggest an impact to splicing. However, this information is not predictive enough to determine pathogenicity. A minigene assay performed on affected tissues shows exon skipping of exon 81 (PMID: 16917880). In-frame exon skipping is an established disease mechanism in autosomal recessive autosomal recessive nemaline myopathy. However, these types of assays may not accurately represent biological function. In summary, although additional studies are required to fully establish its clinical significance, this variant is likely pathogenic for autosomal recessive nemaline myopathy. ACMG/AMP Criteria applied: PVS1_strong, PM3, PM2_supporting (Richards 2015).

Natera, Inc.
Classification: Likely pathogenic for Nemaline myopathy type 2. Last evaluated: 2024-11-27. Review status: criteria provided, single submitter. Criteria: Natera Variant Classification Schema (03/2026). Collection method: clinical testing. Allele origin: germline.
Comment: The c.12330+5G>A variant in NEB is an intronic variant located outside the canonical splice sites. This variant is rare in the general population with a frequency below the threshold expected for the associated phenotype(s). This variant has been observed in one or more individuals affected with the associated recessive disease, as either homozygous or compound heterozygous with a second variant (PMID: 16917880). Functional studies show that this variant may disrupt protein function (PMID: 16917880). Computational prediction algorithms indicate this variant is likely to affect gene or protein function. Given the available evidence, this variant is classified as Likely Pathogenic.

Baylor Genetics
Classification: Likely pathogenic for Arthrogryposis multiplex congenita 6. Last evaluated: 2023-06-15. Review status: criteria provided, single submitter. Criteria: ACMG Guidelines, 2015. Collection method: clinical testing. Allele origin: unknown.

Literature cited by the submitters: PubMed 16917880 (cited by Labcorp Genetics (formerly Invitae), Labcorp and Natera, Inc.); PubMed 17576681 (cited by Labcorp Genetics (formerly Invitae), Labcorp); PubMed 9536098 (cited by Labcorp Genetics (formerly Invitae), Labcorp).

NM_001164508.2(NEB):c.12330+5G>A

Gene: NEB (nebulin; minus strand). Cytogenetic location: 2q23.3.
Variant type: single nucleotide variant.
Coding change: c.12330+5G>A on transcript NM_001164508.2 (MANE Select); 5 bases into the intron after coding-DNA position 12330, G replaced by A.
Molecular consequence: intron variant.
Genome position (GRCh38, 1-based): chr2:151,609,804, C>T on the plus strand (G>A on the coding strand, the complement: NEB is on the minus strand). VCF-style: chr2-151609804-C-T. GRCh37 (hg19) VCF-style: chr2-152466318-C-T.
Other names: c.11601+5G>A (NM_004543.5); c.12330+5G>A (NM_001164507.2, NM_001271208.2, NM_001271208.1).
Identifiers: ClinVar variation 1067580 (VCV001067580.10), dbSNP rs763163879, ClinGen allele CA1908541.